The following is an entry in ClinVar:

ClinVar aggregate classification (germline): Conflicting classifications of pathogenicity. Review status: criteria provided, conflicting classifications (1 of 4 stars). 2 submissions from 2 submitters: Uncertain significance (1); Likely benign (1). Last evaluated 2026-03-02.

Conditions:
Ehlers-Danlos syndrome, classic type, 1 (EDSCL1). Also called: EHLERS-DANLOS SYNDROME, GRAVIS TYPE; EHLERS-DANLOS SYNDROME, SEVERE CLASSIC TYPE; Ehlers-Danlos syndrome, type 1; Ehlers-Danlos Syndrome, Classic Type, COL5A1-Related; EDS I. Identifiers: MedGen C0268335, MONDO:0019567, OMIM 130000.
Osteogenesis imperfecta type I (OI1). Also called: OI, TYPE I; OSTEOGENESIS IMPERFECTA TARDA; OSTEOGENESIS IMPERFECTA WITH BLUE SCLERAE; Osteogenesis imperfecta type 1; Lobstein's Disease; Lobstein disease. Identifiers: Orphanet 216796, Orphanet 666, MedGen C0023931, MONDO:0008146, OMIM 166200. Disease mechanism: loss of function.

gnomAD v4.1: 10 of 1,613,966 alleles (0.00062%); highest among the groups gnomAD compares: Non-Finnish European, 0.00059%; no homozygotes.

Submissions (2):

Women's Health and Genetics/Laboratory Corporation of America, LabCorp
Classification: Uncertain significance. Last evaluated: 2026-03-02. Review status: criteria provided, single submitter. Criteria: LabCorp Variant Classification Summary - May 2015. Collection method: clinical testing. Allele origin: germline.
Comment: Variant summary: COL1A2 c.379-5C>G alters a non-conserved nucleotide located at a position not widely known to affect splicing. Several computational tools predict a significant impact on normal splicing: Three predict the variant weakens a 3' acceptor site and one predicts the variant has no significant impact on splicing. However, these predictions have yet to be confirmed by functional studies. The variant allele was found at a frequency of 4e-06 in 251428 control chromosomes. The available data on variant occurrences in the general population are insufficient to allow any conclusion about variant significance. To our knowledge, no occurrence of c.379-5C>G in individuals affected with COL1A2-related conditions and no experimental evidence demonstrating its impact on protein function have been reported. ClinVar contains an entry for this variant (Variation ID: 3761581). Based on the evidence outlined above, the variant was classified as uncertain significance.

Labcorp Genetics (formerly Invitae), Labcorp
Classification: Likely benign for Osteogenesis imperfecta type I; Ehlers-Danlos syndrome, classic type, 1. Last evaluated: 2026-01-20. Review status: criteria provided, single submitter. Criteria: Invitae Variant Classification Sherloc (09022015). Collection method: clinical testing. Allele origin: germline.

NM_000089.4(COL1A2):c.379-5C>G

Gene: COL1A2 (collagen type I alpha 2 chain; plus strand). Cytogenetic location: 7q21.3.
Variant type: single nucleotide variant.
Coding change: c.379-5C>G on transcript NM_000089.4 (MANE Select); 5 bases into the intron before coding-DNA position 379, C replaced by G.
Molecular consequence: intron variant.
Genome position (GRCh38, 1-based): chr7:94,404,834, C>G. VCF-style: chr7-94404834-C-G. GRCh37 (hg19) VCF-style: chr7-94034146-C-G.
Identifiers: ClinVar variation 3761581 (VCV003761581.3).
Genomic context (GRCh38, chr7:94,404,834, plus strand): 5'-AAGTTTTTTTCCAGGAAGTTTATGAATATAACCTTAGTGAAATGATGGGTCTCCCATTTT[C>G]TTAGGGTCCTGCAGGTGCTCGTGGTCCAGCTGGCCCTCCTGGCAAGGCTGGTGAAGATGT-3'